The following is an entry in ClinVar:

ClinVar aggregate classification (germline): Likely benign (1 of 4 stars; one submission).

Conditions:
Breast-ovarian cancer, familial, susceptibility to, 2 (BROVCA2). Also called: BRCA2 Hereditary Breast and Ovarian Cancer. Identifiers: Orphanet 145, MedGen C2675520, MONDO:0012933, OMIM 612555. Disease mechanism: loss of function.

gnomAD v4.1: 1 of 1,613,950 alleles (0.000062%); highest among the groups gnomAD compares: Non-Finnish European, 0.000085%; no homozygotes.

Submission:

Cancer Bioinformatics and Tumour Evolution Laboratory, Monash University
Classification: Likely benign for Breast-ovarian cancer, familial, susceptibility to, 2. Last evaluated: 2026-05-01. Review status: criteria provided, single submitter. Criteria: ClinGen BRCA1 and BRCA2 Guidelines, 2024. Collection method: curation. Allele origin: germline. Inheritance: Autosomal dominant inheritance.
Comment: PMID: 39281752 - A large scale study to determine the case-control LR of BRCA1 and BRCA2 variants. The data was consolidated in the ccLR browser. This variant was found in the browser with a LR of 0.774056892 which is in the no evidence range according to the BRCA1 and BRCA2 VCEP. Hence, no evidence code is applied. Missense variant outside of a functional domain with no splice impact. BRCA1 and BRCA2 VCEP guidelines recommend application of BP1_Strong (PMID: 39142283)

Literature cited by the submitters: PubMed 39281752.

NM_000059.4(BRCA2):c.5463A>C (p.Lys1821Asn)

Gene: BRCA2 (BRCA2 DNA repair associated; plus strand). Cytogenetic location: 13q13.1.
Variant type: single nucleotide variant.
Coding change: c.5463A>C on transcript NM_000059.4 (MANE Select); coding-DNA position 5463, A replaced by C.
Protein change: p.Lys1821Asn; replaces lysine 1821 with asparagine.
Molecular consequence: missense variant. On other transcripts: non-coding transcript variant (1), intron variant (2).
Genome position (GRCh38, 1-based): chr13:32,339,818, A>C. VCF-style: chr13-32339818-A-C. GRCh37 (hg19) VCF-style: chr13-32913955-A-C.
Other names: c.5463A>C, p.Lys1821Asn (NM_001406719.1, NM_001406720.1, NM_001432077.1); c.1910-4740A>C (NM_001406721.1); c.425-4740A>C (NM_001406722.1); short protein forms K1821N.
Identifiers: ClinVar variation 4856478 (VCV004856478.1).